The following is an entry in ClinVar:

ClinVar aggregate classification (germline): Likely benign (0 of 4 stars; one submission).

Conditions:
PDZD2-related disorder. Also called: PDZD2-related condition.

Allele frequency attached by ClinVar (database versions not stated): gnomAD exomes 0.00033; gnomAD 0.00041; TOPMed 0.00051; ExAC 0.00067; 1000 Genomes Project 0.00160; 1000 Genomes Project 30x 0.00203.
gnomAD v4.1: 548 of 1,614,116 alleles (0.034%); highest among the groups gnomAD compares: East Asian, 1.1%; 3 homozygotes.

Submission:

PreventionGenetics, part of Exact Sciences
Classification: Likely benign for PDZD2-related condition. Last evaluated: 2019-03-26. Review status: no assertion criteria provided. Collection method: clinical testing. Allele origin: germline.
Comment: This variant is classified as likely benign based on ACMG/AMP sequence variant interpretation guidelines (Richards et al. 2015 PMID: 25741868, with internal and published modifications).

NM_178140.4(PDZD2):c.6758T>C (p.Val2253Ala)

Gene: PDZD2 (PDZ domain containing 2; plus strand). Cytogenetic location: 5p13.3.
Variant type: single nucleotide variant.
Coding change: c.6758T>C on transcript NM_178140.4 (MANE Select); coding-DNA position 6758, T replaced by C.
Protein change: p.Val2253Ala; replaces valine 2253 with alanine.
Molecular consequence: missense variant.
Genome position (GRCh38, 1-based): chr5:32,090,206, T>C. VCF-style: chr5-32090206-T-C. GRCh37 (hg19) VCF-style: chr5-32090312-T-C.
Other names: short protein forms V2253A.
Identifiers: ClinVar variation 3051045 (VCV003051045.2), dbSNP rs141427696, ClinGen allele CA3220193.